The following is an entry in ClinVar:

ClinVar aggregate classification (germline): Uncertain significance. Review status: criteria provided, multiple submitters, no conflicts (2 of 4 stars). 2 submissions from 2 submitters: Uncertain significance (2). Last evaluated 2025-05-01.

Conditions:
Noonan syndrome (NS). Also called: Noonan's syndrome. Identifiers: Orphanet 648, MedGen C0028326, MeSH D009634, MONDO:0018997. Disease mechanism: gain of function.

Allele frequency attached by ClinVar (database versions not stated): gnomAD exomes below 0.00001; gnomAD 0.00002; TOPMed 0.00002.
gnomAD v4.1: 4 of 1,396,236 alleles (0.00029%); highest among the groups gnomAD compares: African/African-American, 0.0061%; no homozygotes.

Submissions (2):

Labcorp Genetics (formerly Invitae), Labcorp
Classification: Uncertain significance for Noonan syndrome. Last evaluated: 2025-05-01. Review status: criteria provided, single submitter. Criteria: Invitae Variant Classification Sherloc (09022015). Collection method: clinical testing. Allele origin: germline.
Comment: This sequence change replaces glycine, which is neutral and non-polar, with tryptophan, which is neutral and slightly polar, at codon 4 of the RRAS protein (p.Gly4Trp). This variant is not present in population databases (gnomAD no frequency). This variant has not been reported in the literature in individuals affected with RRAS-related conditions. ClinVar contains an entry for this variant (Variation ID: 996283). An algorithm developed to predict the effect of missense changes on protein structure and function (PolyPhen-2) suggests that this variant is likely to be disruptive. In summary, the available evidence is currently insufficient to determine the role of this variant in disease. Therefore, it has been classified as a Variant of Uncertain Significance.

Women's Health and Genetics/Laboratory Corporation of America, LabCorp
Classification: Uncertain significance. Last evaluated: 2021-01-28. Review status: criteria provided, single submitter. Criteria: LabCorp Variant Classification Summary - May 2015. Collection method: clinical testing. Allele origin: germline.
Comment: Variant summary: RRAS c.10G>T (p.Gly4Trp) results in a non-conservative amino acid change in the encoded protein sequence. Four of five in-silico tools predict a damaging effect of the variant on protein function. The variant was absent in 11964 control chromosomes (gnomAD). The available data on variant occurrences in the general population are insufficient to allow any conclusion about variant significance. To our knowledge, no occurrence of c.10G>T in individuals affected with Noonan Syndrome And Related Conditions and no experimental evidence demonstrating its impact on protein function have been reported. No clinical diagnostic laboratories have submitted clinical-significance assessments for this variant to ClinVar after 2014. Based on the evidence outlined above, the variant was classified as uncertain significance.

NM_006270.5(RRAS):c.10G>T (p.Gly4Trp)

Gene: RRAS (RAS related; minus strand). Cytogenetic location: 19q13.33.
Variant type: single nucleotide variant.
Coding change: c.10G>T on transcript NM_006270.5 (MANE Select); coding-DNA position 10, G replaced by T.
Protein change: p.Gly4Trp; replaces glycine 4 with tryptophan.
Molecular consequence: missense variant.
Genome position (GRCh38, 1-based): chr19:49,640,089, C>A on the plus strand (G>T on the coding strand, the complement: RRAS is on the minus strand). VCF-style: chr19-49640089-C-A. GRCh37 (hg19) VCF-style: chr19-50143346-C-A.
Other names: short protein forms G4W.
Identifiers: ClinVar variation 996283 (VCV000996283.8), dbSNP rs2081015843, ClinGen allele CA406850217.